The following is an entry in ClinVar:

ClinVar aggregate classification (germline): Uncertain significance (1 of 4 stars; one submission).

gnomAD v4.1: 4 of 1,614,214 alleles (0.00025%); highest among the groups gnomAD compares: Non-Finnish European, 0.00025%; no homozygotes.

Submission:

GeneDx
Classification: Uncertain significance. Last evaluated: 2024-05-17. Review status: criteria provided, single submitter. Criteria: GeneDx Variant Classification Process June 2021. Collection method: clinical testing. Allele origin: germline. Affected: yes.
Comment: Not observed at significant frequency in large population cohorts (gnomAD); In silico analysis supports that this missense variant has a deleterious effect on protein structure/function; Has not been previously published as pathogenic or benign to our knowledge

NM_006946.4(SPTBN2):c.3928C>T (p.Arg1310Cys)

Gene: SPTBN2 (spectrin beta, non-erythrocytic 2; minus strand). Cytogenetic location: 11q13.2.
Variant type: single nucleotide variant.
Coding change: c.3928C>T on transcript NM_006946.4 (MANE Select); coding-DNA position 3928, C replaced by T.
Protein change: p.Arg1310Cys; replaces arginine 1310 with cysteine.
Molecular consequence: missense variant.
Genome position (GRCh38, 1-based): chr11:66,698,725, G>A on the plus strand (C>T on the coding strand, the complement: SPTBN2 is on the minus strand). VCF-style: chr11-66698725-G-A. GRCh37 (hg19) VCF-style: chr11-66466196-G-A.
Other names: c.3949C>T, p.Arg1317Cys (NM_001411025.1); short protein forms R1310C, R1317C.
Identifiers: ClinVar variation 3378095 (VCV003378095.1).